The following is an entry in ClinVar:

ClinVar aggregate classification (germline): Uncertain significance (1 of 4 stars; one submission).

Conditions:
Hereditary cancer-predisposing syndrome. Also called: Neoplastic Syndromes, Hereditary; Tumor predisposition; Hereditary Cancer Syndrome; Hereditary neoplastic syndrome. Identifiers: Orphanet 140162, MedGen C0027672, MeSH D009386, MONDO:0015356.

Submission:

Ambry Genetics
Classification: Uncertain significance for Hereditary cancer-predisposing syndrome. Last evaluated: 2026-04-08. Review status: criteria provided, single submitter. Criteria: Ambry Variant Classification Scheme 2023. Collection method: clinical testing. Allele origin: germline.
Comment: The p.I1255N variant (also known as c.3764T>A), located in coding exon 22 of the PTCH1 gene, results from a T to A substitution at nucleotide position 3764. The isoleucine at codon 1255 is replaced by asparagine, an amino acid with dissimilar properties. This amino acid position is conserved. In addition, the in silico prediction for this alteration is inconclusive. Based on the available evidence, the clinical significance of this variant remains unclear.

NM_000264.5(PTCH1):c.3764T>A (p.Ile1255Asn)

Gene: PTCH1 (patched 1; minus strand). Cytogenetic location: 9q22.32.
Variant type: single nucleotide variant.
Coding change: c.3764T>A on transcript NM_000264.5 (MANE Select); coding-DNA position 3764, T replaced by A.
Protein change: p.Ile1255Asn; replaces isoleucine 1255 with asparagine.
Molecular consequence: missense variant. On other transcripts: non-coding transcript variant (1).
Genome position (GRCh38, 1-based): chr9:95,449,109, A>T on the plus strand (T>A on the coding strand, the complement: PTCH1 is on the minus strand). VCF-style: chr9-95449109-A-T. GRCh37 (hg19) VCF-style: chr9-98211391-A-T.
Other names: c.3566T>A, p.Ile1189Asn (NM_001083602.3); c.3761T>A, p.Ile1254Asn (NM_001083603.3); c.3311T>A, p.Ile1104Asn (NM_001083604.3, NM_001083605.3, NM_001083606.3 and 1 more transcripts); c.3608T>A, p.Ile1203Asn (NM_001354918.2); short protein forms I1104N, I1189N, I1203N, I1254N, I1255N.
Identifiers: ClinVar variation 4862661 (VCV004862661.1).